The following is an entry in ClinVar:

NM_001267550.2(TTN):c.40198A>G (p.Arg13400Gly)

Gene: TTN (titin; minus strand). Cytogenetic location: 2q31.2.
Variant type: single nucleotide variant.
Coding change: c.40198A>G on transcript NM_001267550.2 (MANE Select); coding-DNA position 40198, A replaced by G.
Protein change: p.Arg13400Gly; replaces arginine 13400 with glycine.
Molecular consequence: missense variant. On other transcripts: intron variant (5).
Genome position (GRCh38, 1-based): chr2:178,647,088, T>C on the plus strand (A>G on the coding strand, the complement: TTN is on the minus strand). VCF-style: chr2-178647088-T-C. GRCh37 (hg19) VCF-style: chr2-179511815-T-C.
Other names: c.13283-4771A>G (NM_003319.4); c.13859-4771A>G (NM_133437.4); c.13658-4771A>G (NM_133432.3); c.32594-1058A>G (NM_133378.4); c.35375-1058A>G (NM_001256850.1); short protein forms R13400G.
Identifiers: ClinVar variation 3061276 (VCV003061276.2), dbSNP rs2062127550, ClinGen allele CA349441805.

ClinVar aggregate classification (germline): Uncertain significance (0 of 4 stars; one submission).

Conditions:
TTN-related disorder. Also called: TTN-related condition; TTN-related disease; TTN-related disorders.

Allele frequency attached by ClinVar (database versions not stated): TOPMed below 0.00001.

Submission:

PreventionGenetics, part of Exact Sciences
Classification: Uncertain significance for TTN-related condition. Last evaluated: 2024-02-27. Review status: no assertion criteria provided. Collection method: clinical testing. Allele origin: germline.
Comment: The TTN c.40198A>G variant is predicted to result in the amino acid substitution p.Arg13400Gly. To our knowledge, this variant has not been reported in the literature or in a large population database, indicating this variant is rare. At this time, the clinical significance of this variant is uncertain due to the absence of conclusive functional and genetic evidence.